The following is an entry in ClinVar:

NM_003742.4(ABCB11):c.3170G>A (p.Arg1057Gln)

Gene: ABCB11 (ATP binding cassette subfamily B member 11; minus strand). Cytogenetic location: 2q31.1.
Variant type: single nucleotide variant.
Coding change: c.3170G>A on transcript NM_003742.4 (MANE Select); coding-DNA position 3170, G replaced by A.
Protein change: p.Arg1057Gln; replaces arginine 1057 with glutamine.
Molecular consequence: missense variant.
Genome position (GRCh38, 1-based): chr2:168,932,420, C>T on the plus strand (G>A on the coding strand, the complement: ABCB11 is on the minus strand). VCF-style: chr2-168932420-C-T. GRCh37 (hg19) VCF-style: chr2-169788930-C-T.
Other names: short protein forms R1057Q.
Identifiers: ClinVar variation 726318 (VCV000726318.13), dbSNP rs200174512, ClinGen allele CA1951091.
Genomic context (GRCh38, chr2:168,932,420, plus strand): 5'-AGTATTCCAACACTTACCCATTTTTCACCTGCAGTATTGTATACACTGATTGGGGGTTGT[C>T]GGTCCAGCAGTTGAAAAAAGCGTGCAGCTGATATTTTAGCTTTTGCATAACTTGGGGTGT-3'
Protein context (NP_003733.2, residues 1047-1067): SAARFFQLLD[Arg1057Gln]QPPISVYNTA

ClinVar aggregate classification (germline): Benign. Review status: criteria provided, single submitter (1 of 4 stars). 3 submissions from 3 submitters: Benign (1). 2 of the submissions do not count toward it. Last evaluated 2025-12-29.

Conditions:
Progressive familial intrahepatic cholestasis type 2. Identifiers: Orphanet 79304, MedGen C3489789, MONDO:0011156, OMIM 601847.
ABCB11-related disorder. Also called: ABCB11-related condition.

Allele frequency attached by ClinVar (database versions not stated): gnomAD exomes 0.00011 and 0.00032; gnomAD 0.00013 and 0.00015; ESP Exome Variant Server 0.00017; TOPMed 0.00026; ExAC 0.00063.
gnomAD v4.1: 167 of 1,588,946 alleles (0.011%); highest among the groups gnomAD compares: Admixed American, 0.13%; 1 homozygote.

Submissions (3):

Labcorp Genetics (formerly Invitae), Labcorp
Classification: Benign. Last evaluated: 2025-12-29. Review status: criteria provided, single submitter. Criteria: Invitae Variant Classification Sherloc (09022015). Collection method: clinical testing. Allele origin: germline.

PreventionGenetics, part of Exact Sciences
Classification: Likely benign for ABCB11-related condition. Last evaluated: 2022-05-10. Review status: no assertion criteria provided. Collection method: clinical testing. Allele origin: germline. Not counted in ClinVar's aggregate classification.
Comment: This variant is classified as likely benign based on ACMG/AMP sequence variant interpretation guidelines (Richards et al. 2015 PMID: 25741868, with internal and published modifications).

Natera, Inc.
Classification: Uncertain significance for Progressive familial intrahepatic cholestasis type 2. Last evaluated: 2019-12-14. Review status: no assertion criteria provided. Collection method: clinical testing. Allele origin: germline. Not counted in ClinVar's aggregate classification.